The following is an entry in ClinVar:

NM_000548.5(TSC2):c.4144_4145del (p.Leu1382fs)

Gene: TSC2 (TSC complex subunit 2; plus strand). Cytogenetic location: 16p13.3.
Variant type: Deletion.
Coding change: c.4144_4145del on transcript NM_000548.5 (MANE Select); coding-DNA positions 4144 to 4145, 2 bases deleted (CT; older notation c.4144_4145delCT).
Protein change: p.Leu1382fs; shifts the reading frame from leucine 1382.
Molecular consequence: frameshift variant. On other transcripts: non-coding transcript variant (5).
Genome position (GRCh38, 1-based): chr16:2,084,366-2,084,367, CT deleted. VCF-style (leftmost placement, unchanged base first): chr16-2084365-CCT-C. GRCh37 (hg19) VCF-style: chr16-2134366-CCT-C.
Other names: c.3943_3944del, p.Leu1315fs (NM_001077183.3); c.4075_4076del, p.Leu1359fs (NM_001114382.3); c.3835_3836del, p.Leu1279fs (NM_001318827.2); c.3799_3800del, p.Leu1267fs (NM_001318829.2); c.3412_3413del, p.Leu1138fs (NM_001318831.2); c.3976_3977del, p.Leu1326fs (NM_001318832.2); c.3946_3947del, p.Leu1316fs (NM_001363528.2); c.4012_4013del, p.Leu1338fs (NM_001370404.1); and 26 more; short protein forms L1116fs, L1162fs, L1182fs, L1267fs, L1311fs, L1322fs, L1356fs, L1358fs.
Identifiers: ClinVar variation 2921229 (VCV002921229.1), dbSNP rs2544262969, ClinGen allele CA2739265840.

ClinVar aggregate classification (germline): Pathogenic (1 of 4 stars; one submission).

Submission:

ARUP Laboratories, Molecular Genetics and Genomics, ARUP Laboratories
Classification: Pathogenic. Last evaluated: 2023-10-02. Review status: criteria provided, single submitter. Criteria: ARUP Molecular Germline Variant Investigation Process 2024. Collection method: clinical testing. Allele origin: germline.
Comment: The TSC2 c.4144_4145del; p.Leu1382GlufsTer31 variant, to our knowledge, is not reported in the medical literature or gene specific databases. This variant is also absent from the Genome Aggregation Database, indicating it is not a common polymorphism. This variant causes a frameshift deleting two nucleotides, so it is predicted to result in a truncated protein or mRNA subject to nonsense-mediated decay. Additionally, several downstream truncating variants have been described in individuals with tuberous sclerosis complex and are considered pathogenic (Ding 2020, Sancak 2005). Based on available information, this variant is considered to be pathogenic. References: Ding Y et al. Genotype and Phenotype Analysis of Chinese Children With Tuberous Sclerosis Complex: A Pediatric Cohort Study. Front Genet. 2020 Mar 10;11:204. PMID: 32211034. Sancak O et al. Mutational analysis of the TSC1 and TSC2 genes in a diagnostic setting: genotype--phenotype correlations and comparison of diagnostic DNA techniques in Tuberous Sclerosis Complex. Eur J Hum Genet. 2005 Jun;13(6):731-41. PMID: 15798777.